The following is an entry in ClinVar:

ClinVar aggregate classification (germline): Conflicting classifications of pathogenicity. Review status: criteria provided, conflicting classifications (1 of 4 stars). 2 submissions from 2 submitters: Uncertain significance (1); Likely benign (1). Last evaluated 2025-10-02.

Conditions:
Familial focal epilepsy with variable foci (FPEVF). Identifiers: Orphanet 98820, MedGen C1858477, MONDO:0020310.

Allele frequency attached by ClinVar (database versions not stated): ExAC 0.00002; TOPMed 0.00002; gnomAD 0.00003; gnomAD exomes 0.00003 and 0.00004.
gnomAD v4.1: 50 of 1,614,070 alleles (0.0031%); highest among the groups gnomAD compares: South Asian, 0.0077%; no homozygotes.

Submissions (2):

Labcorp Genetics (formerly Invitae), Labcorp
Classification: Uncertain significance for Familial focal epilepsy with variable foci. Last evaluated: 2025-10-02. Review status: criteria provided, single submitter. Criteria: Invitae Variant Classification Sherloc (09022015). Collection method: clinical testing. Allele origin: germline.
Comment: This sequence change replaces isoleucine, which is neutral and non-polar, with valine, which is neutral and non-polar, at codon 959 of the DEPDC5 protein (p.Ile959Val). This variant is present in population databases (rs757332983, gnomAD 0.02%). This variant has not been reported in the literature in individuals affected with DEPDC5-related conditions. ClinVar contains an entry for this variant (Variation ID: 1038917). Experimental studies and prediction algorithms are not available or were not evaluated, and the functional significance of this variant is currently unknown. In summary, the available evidence is currently insufficient to determine the role of this variant in disease. Therefore, it has been classified as a Variant of Uncertain Significance.

Laboratory of Genetics, Children's Clinical University Hospital Latvia
Classification: Likely benign. Last evaluated: 2025-02-16. Review status: criteria provided, single submitter. Criteria: ACMG Guidelines, 2015. Collection method: clinical testing. Allele origin: germline. Affected: yes.

NM_001242896.3(DEPDC5):c.2875A>G (p.Ile959Val)

Gene: DEPDC5 (DEP domain containing 5, GATOR1 subcomplex subunit; plus strand). Cytogenetic location: 22q12.3.
Variant type: single nucleotide variant.
Coding change: c.2875A>G on transcript NM_001242896.3 (MANE Select); coding-DNA position 2875, A replaced by G.
Protein change: p.Ile959Val; replaces isoleucine 959 with valine.
Molecular consequence: missense variant. On other transcripts: non-coding transcript variant (5).
Genome position (GRCh38, 1-based): chr22:31,845,091, A>G. VCF-style: chr22-31845091-A-G. GRCh37 (hg19) VCF-style: chr22-32241077-A-G.
Other names: c.2848A>G, p.Ile950Val (NM_001136029.4, NM_001369903.1, NM_014662.6); c.2641A>G, p.Ile881Val (NM_001242897.2, NM_001363854.2, NM_001364319.2); c.2875A>G, p.Ile959Val (NM_001363852.2, NM_001364318.2, NM_001364320.2); c.2791A>G, p.Ile931Val (NM_001369901.1, NM_001369902.1); short protein forms I950V, I959V, I881V, I931V.
Identifiers: ClinVar variation 1038917 (VCV001038917.7), dbSNP rs757332983, ClinGen allele CA10196821.